The following is an entry in ClinVar:

ClinVar aggregate classification (germline): Uncertain significance. Review status: criteria provided, multiple submitters, no conflicts (2 of 4 stars). 2 submissions from 2 submitters: Uncertain significance (2). Last evaluated 2025-03-19.

Conditions:
Neuropathy, hereditary sensory, type 2C. Also called: Hereditary sensory and autonomic neuropathy type IIC; KIF1A-Related HSAN2 (HSAN2C). Identifiers: Orphanet 970, MedGen C3280168, MONDO:0013634, OMIM 614213.
Intellectual disability, autosomal dominant 9 (NESCAVS). Also called: NESCAV SYNDROME; KIF1A-Related Neurodevelopmental Disorder. Identifiers: Orphanet 662367, MedGen C5393830, MONDO:0013656, OMIM 614255.
Hereditary spastic paraplegia 30. Identifiers: Orphanet 101010, MedGen C5235139, MONDO:0012476.

Allele frequency attached by ClinVar (database versions not stated): gnomAD exomes below 0.00001.
gnomAD v4.1: 3 of 1,612,946 alleles (0.00019%); highest among the groups gnomAD compares: Admixed American, 0.0017%; no homozygotes.

Submissions (2):

Labcorp Genetics (formerly Invitae), Labcorp
Classification: Uncertain significance for Hereditary spastic paraplegia 30; Neuropathy, hereditary sensory, type 2C; Intellectual disability, autosomal dominant 9. Last evaluated: 2025-03-19. Review status: criteria provided, single submitter. Criteria: Invitae Variant Classification Sherloc (09022015). Collection method: clinical testing. Allele origin: germline.
Comment: This sequence change replaces arginine, which is basic and polar, with cysteine, which is neutral and slightly polar, at codon 1003 of the KIF1A protein (p.Arg1003Cys). This variant is not present in population databases (gnomAD no frequency). This variant has not been reported in the literature in individuals affected with KIF1A-related conditions. ClinVar contains an entry for this variant (Variation ID: 1012692). Invitae Evidence Modeling of protein sequence and biophysical properties (such as structural, functional, and spatial information, amino acid conservation, physicochemical variation, residue mobility, and thermodynamic stability) has been performed for this missense variant. However, the output from this modeling did not meet the statistical confidence thresholds required to predict the impact of this variant on KIF1A protein function. In summary, the available evidence is currently insufficient to determine the role of this variant in disease. Therefore, it has been classified as a Variant of Uncertain Significance.

CeGaT Center for Human Genetics Tuebingen
Classification: Uncertain significance. Last evaluated: 2020-11-01. Review status: criteria provided, single submitter. Criteria: CeGaT Center For Human Genetics Tuebingen Variant Classification Criteria Version 2. Collection method: clinical testing. Allele origin: germline. Affected: yes. Observed: 1 variant allele.

NM_001244008.2(KIF1A):c.3310C>T (p.Arg1104Cys)

Gene: KIF1A (kinesin family member 1A; minus strand). Cytogenetic location: 2q37.3.
Variant type: single nucleotide variant.
Coding change: c.3310C>T on transcript NM_001244008.2 (MANE Select); coding-DNA position 3310, C replaced by T.
Protein change: p.Arg1104Cys; replaces arginine 1104 with cysteine.
Molecular consequence: missense variant.
Genome position (GRCh38, 1-based): chr2:240,745,802, G>A on the plus strand (C>T on the coding strand, the complement: KIF1A is on the minus strand). VCF-style: chr2-240745802-G-A. GRCh37 (hg19) VCF-style: chr2-241685219-G-A.
Other names: c.3034C>T, p.Arg1012Cys (NM_001320705.2, NM_001330289.2, NM_001379638.1); c.3109C>T, p.Arg1037Cys (NM_001330290.2, NM_001379634.1, NM_001379635.1 and 1 more transcripts); c.3385C>T, p.Arg1129Cys (NM_001379631.1); c.3259C>T, p.Arg1087Cys (NM_001379632.1); c.3283C>T, p.Arg1095Cys (NM_001379633.1, NM_001379642.1, NM_001379645.1); c.3007C>T, p.Arg1003Cys (NM_001379636.1, NM_001379639.1, NM_001379641.1 and 5 more transcripts); c.3082C>T, p.Arg1028Cys (NM_001379637.1, NM_001379648.1); c.3004C>T, p.Arg1002Cys (NM_001379640.1); short protein forms R1002C, R1003C, R1012C, R1028C, R1037C, R1087C, R1095C, R1104C.
Identifiers: ClinVar variation 1012692 (VCV001012692.44), dbSNP rs986710765, ClinGen allele CA68157073.
Genomic context (GRCh38, chr2:240,745,802, plus strand): 5'-ACTGGCAGAAGATGTCGGCATATTCGGCAGAGATGCTGGACGCCTGCAGGACTGTCACAC[G>A]GAAGGTGAAGGTGTTGCCCAGGCGGAGGTGGTCCAGGGCAGCATCCAGGGGCCCATCCAG-3'
Protein context (NP_001230937.1, residues 1094-1114): HLRLGNTFTF[Arg1104Cys]VTVLQASSIS